The following is an entry in ClinVar:

ClinVar aggregate classification (germline): Uncertain significance (1 of 4 stars; one submission).

Allele frequency attached by ClinVar (database versions not stated): gnomAD exomes below 0.00001 and 0.00002; gnomAD 0.00001; ExAC 0.00002; TOPMed 0.00002.
gnomAD v4.1: 6 of 1,614,048 alleles (0.00037%); highest among the groups gnomAD compares: Admixed American, 0.01%; no homozygotes.

Submission:

Labcorp Genetics (formerly Invitae), Labcorp
Classification: Uncertain significance. Last evaluated: 2021-08-28. Review status: criteria provided, single submitter. Criteria: Invitae Variant Classification Sherloc (09022015). Collection method: clinical testing. Allele origin: germline.
Comment: This sequence change replaces valine with leucine at codon 738 of the CAD protein (p.Val738Leu). The valine residue is highly conserved and there is a small physicochemical difference between valine and leucine. This variant is present in population databases (rs772590129, ExAC 0.02%). This variant has not been reported in the literature in individuals affected with CAD-related conditions. Algorithms developed to predict the effect of missense changes on protein structure and function are either unavailable or do not agree on the potential impact of this missense change (SIFT: "Deleterious"; PolyPhen-2: "Benign"; Align-GVGD: "Class C0"). In summary, the available evidence is currently insufficient to determine the role of this variant in disease. Therefore, it has been classified as a Variant of Uncertain Significance.

NM_004341.5(CAD):c.2212G>C (p.Val738Leu)

Gene: CAD (carbamoyl-phosphate synthetase 2, aspartate transcarbamylase, and dihydroorotase; plus strand). Cytogenetic location: 2p23.3.
Variant type: single nucleotide variant.
Coding change: c.2212G>C on transcript NM_004341.5 (MANE Select); coding-DNA position 2212, G replaced by C.
Protein change: p.Val738Leu; replaces valine 738 with leucine.
Molecular consequence: missense variant.
Genome position (GRCh38, 1-based): chr2:27,226,887, G>C. VCF-style: chr2-27226887-G-C. GRCh37 (hg19) VCF-style: chr2-27449755-G-C.
Other names: c.2023G>C, p.Val675Leu (NM_001306079.2); short protein forms V675L, V738L.
Identifiers: ClinVar variation 1351155 (VCV001351155.5), dbSNP rs772590129, ClinGen allele CA1572946.